The following is an entry in ClinVar:

ClinVar aggregate classification (germline): Uncertain significance (1 of 4 stars; one submission).

Conditions:
Tumor predisposition syndrome 3 (TPDS3). Also called: Melanoma, cutaneous malignant, susceptibility to, 10; Glioma susceptibility 9; LONG TELOMERE SYNDROME, POT1-RELATED; POT1 Tumor Predisposition. Identifiers: Orphanet 618, MedGen C4014476, MONDO:0014368, OMIM 615848.

Submission:

Labcorp Genetics (formerly Invitae), Labcorp
Classification: Uncertain significance for Tumor predisposition syndrome 3. Last evaluated: 2025-10-16. Review status: criteria provided, single submitter. Criteria: Invitae Variant Classification Sherloc (09022015). Collection method: clinical testing. Allele origin: germline.
Comment: This sequence change replaces glutamine, which is neutral and polar, with proline, which is neutral and non-polar, at codon 87 of the POT1 protein (p.Gln87Pro). This variant is present in population databases (rs772165132, gnomAD 0.0009%). This variant has not been reported in the literature in individuals affected with POT1-related conditions. Invitae Evidence Modeling of protein sequence and biophysical properties (such as structural, functional, and spatial information, amino acid conservation, physicochemical variation, residue mobility, and thermodynamic stability) indicates that this missense variant is not expected to disrupt POT1 protein function with a negative predictive value of 80%. In summary, the available evidence is currently insufficient to determine the role of this variant in disease. Therefore, it has been classified as a Variant of Uncertain Significance.

NM_015450.3(POT1):c.260A>C (p.Gln87Pro)

Gene: POT1 (protection of telomeres 1; minus strand). Cytogenetic location: 7q31.33.
Variant type: single nucleotide variant.
Coding change: c.260A>C on transcript NM_015450.3 (MANE Select); coding-DNA position 260, A replaced by C.
Protein change: p.Gln87Pro; replaces glutamine 87 with proline.
Molecular consequence: missense variant. On other transcripts: 5 prime UTR variant (1), non-coding transcript variant (3).
Genome position (GRCh38, 1-based): chr7:124,863,636, T>G on the plus strand (A>C on the coding strand, the complement: POT1 is on the minus strand). VCF-style: chr7-124863636-T-G. GRCh37 (hg19) VCF-style: chr7-124503690-T-G.
Other names: c.-134A>C (NM_001042594.2); short protein forms Q87P.
Identifiers: ClinVar variation 4806628 (VCV004806628.1).
Genomic context (GRCh38, chr7:124,863,636, plus strand): 5'-TCAAACGTCAAAGATGCAAAGCCAGAGCTGGTGATACCCTGAGTCTCCTTTTTATATACT[T>G]GAATCTAAGAAAGTAGGGCAAAGTAGAAAACAGATACAAATAAAATAGCTTACTGATGCA-3'
Protein context (NP_056265.2, residues 77-97): DIVRFHRLKI[Gln87Pro]VYKKETQGIT